The following is an entry in ClinVar:

ClinVar aggregate classification (germline): Conflicting classifications of pathogenicity. Review status: criteria provided, conflicting classifications (1 of 4 stars). 2 submissions from 2 submitters: Likely pathogenic (1); Uncertain significance (1). Last evaluated 2025-10-22.

Conditions:
Myofibrillar myopathy 5. Also called: Filaminopathy (type); FILAMINOPATHY, AUTOSOMAL DOMINANT. Identifiers: Orphanet 171445, MedGen C1836050, MONDO:0012289, OMIM 609524.
Distal myopathy with posterior leg and anterior hand involvement. Also called: WILLIAMS DISTAL MYOPATHY. Identifiers: Orphanet 63273, MedGen C3279722, MONDO:0013550, OMIM 614065.
Hypertrophic cardiomyopathy 26. Also called: Cardiomyopathy, familial hypertrophic, 26. Identifiers: Orphanet 75249, MedGen C4310749, MONDO:0014883, OMIM 617047.

Submissions (2):

Labcorp Genetics (formerly Invitae), Labcorp
Classification: Uncertain significance for Distal myopathy with posterior leg and anterior hand involvement; Myofibrillar myopathy 5; Hypertrophic cardiomyopathy 26. Last evaluated: 2025-10-22. Review status: criteria provided, single submitter. Criteria: Invitae Variant Classification Sherloc (09022015). Collection method: clinical testing. Allele origin: germline.
Comment: This sequence change creates a premature translational stop signal (p.Leu2645Cysfs*23) in the FLNC gene. While this is not anticipated to result in nonsense mediated decay, it is expected to disrupt the last 81 amino acid(s) of the FLNC protein. This variant is not present in population databases (gnomAD no frequency). This variant has not been reported in the literature in individuals affected with FLNC-related conditions. ClinVar contains an entry for this variant (Variation ID: 539430). In summary, the available evidence is currently insufficient to determine the role of this variant in disease. Therefore, it has been classified as a Variant of Uncertain Significance.

CeGaT Center for Human Genetics Tuebingen
Classification: Likely pathogenic. Last evaluated: 2023-06-01. Review status: criteria provided, single submitter. Criteria: CeGaT Center For Human Genetics Tuebingen Variant Classification Criteria Version 2. Collection method: clinical testing. Allele origin: germline. Affected: yes. Observed: 1 variant allele.
Comment: FLNC: PVS1:Strong, PM2, PS4:Moderate

NM_001458.5(FLNC):c.7929del (p.Leu2645fs)

Genes: FLNC (filamin C; plus strand), FLNC-AS1 (FLNC antisense RNA 1; minus strand). Cytogenetic location: 7q32.1.
Variant type: Deletion.
Coding change: c.7929del on transcript NM_001458.5 (MANE Select); coding-DNA position 7929, one base deleted (T; older notation c.7929delT).
Protein change: p.Leu2645fs; shifts the reading frame from leucine 2645.
Molecular consequence: frameshift variant.
Genome position (GRCh38, 1-based): chr7:128,858,156, T deleted. VCF-style (leftmost placement, unchanged base first): chr7-128858155-CT-C. GRCh37 (hg19) VCF-style: chr7-128498209-CT-C.
Other names: c.7929delT (NM_001458.4); c.7830del, p.Leu2612fs (NM_001127487.2); short protein forms L2612fs, L2645fs.
Identifiers: ClinVar variation 539430 (VCV000539430.34), dbSNP rs1554402015, ClinGen allele CA658797008.